The following is an entry in ClinVar:

ClinVar aggregate classification (germline): Conflicting classifications of pathogenicity. Review status: criteria provided, conflicting classifications (1 of 4 stars). 2 submissions from 2 submitters: Likely pathogenic (1); Uncertain significance (1). Last evaluated 2025-10-25.

Conditions:
Inborn genetic diseases. Identifiers: MedGen C0950123, MeSH D030342.
Fanconi anemia complementation group A (FANCA). Also called: Fanconi anemia, group A; FANCA-Related Fanconi Anemia. Identifiers: Orphanet 84, MedGen C3469521, MONDO:0009215, OMIM 227650.

Allele frequency attached by ClinVar (database versions not stated): gnomAD exomes below 0.00001.

Submissions (2):

Ambry Genetics
Classification: Uncertain significance for Inborn genetic diseases. Last evaluated: 2025-10-25. Review status: criteria provided, single submitter. Criteria: Ambry Variant Classification Scheme 2023. Collection method: clinical testing. Allele origin: germline.
Comment: The p.M1024V variant (also known as c.3070A>G), located in coding exon 32 of the FANCA gene, results from an A to G substitution at nucleotide position 3070. The methionine at codon 1024 is replaced by valine, an amino acid with highly similar properties. This amino acid position is conserved. In addition, the in silico prediction for this alteration is inconclusive. Based on the available evidence, the clinical significance of this variant remains unclear.

Molecular Diagnostics Laboratory, M Health Fairview: University of Minnesota
Classification: Likely pathogenic for Fanconi anemia complementation group A. Last evaluated: 2018-08-27. Review status: criteria provided, single submitter. Criteria: ACMG Guidelines, 2015. Collection method: clinical testing. Allele origin: germline. Affected: yes. Observed: 1 variant allele.

NM_000135.4(FANCA):c.3070A>G (p.Met1024Val)

Gene: FANCA (FA complementation group A; minus strand). Cytogenetic location: 16q24.3.
Variant type: single nucleotide variant.
Coding change: c.3070A>G on transcript NM_000135.4 (MANE Select); coding-DNA position 3070, A replaced by G.
Protein change: p.Met1024Val; replaces methionine 1024 with valine.
Molecular consequence: missense variant.
Genome position (GRCh38, 1-based): chr16:89,749,899, T>C on the plus strand (A>G on the coding strand, the complement: FANCA is on the minus strand). VCF-style: chr16-89749899-T-C. GRCh37 (hg19) VCF-style: chr16-89816307-T-C.
Other names: c.3070A>G (LRG_495t1); c.3070A>G, p.Met1024Val (NM_001286167.3); short protein forms M1024V.
Identifiers: ClinVar variation 623164 (VCV000623164.3), dbSNP rs1567603987, ClinGen allele CA397486762.